The following is an entry in ClinVar:

NM_001134363.3(RBM20):c.1337+166G>A

Gene: RBM20 (RNA binding motif protein 20; plus strand). Cytogenetic location: 10q25.2.
Variant type: single nucleotide variant.
Coding change: c.1337+166G>A on transcript NM_001134363.3 (MANE Select); 166 bases into the intron after coding-DNA position 1337, G replaced by A.
Molecular consequence: intron variant.
Genome position (GRCh38, 1-based): chr10:110,783,593, G>A. VCF-style: chr10-110783593-G-A. GRCh37 (hg19) VCF-style: chr10-112543351-G-A.
Identifiers: ClinVar variation 676052 (VCV000676052.2), dbSNP rs117122797, ClinGen allele CA13367140.

ClinVar aggregate classification (germline): Likely benign. Review status: criteria provided, multiple submitters, no conflicts (2 of 4 stars). 2 submissions from 2 submitters: Likely benign (2). Last evaluated 2018-06-20.

Allele frequency attached by ClinVar (database versions not stated): 1000 Genomes Project 0.00300; 1000 Genomes Project 30x 0.00312; TOPMed 0.00486; gnomAD 0.00563 and 0.00582.
gnomAD v4.1: 850 of 152,322 alleles (0.56%); highest among the groups gnomAD compares: Middle Eastern, 2.4%; 3 homozygotes.

Submissions (2):

GeneDx
Classification: Likely benign. Last evaluated: 2018-06-20. Review status: criteria provided, single submitter. Criteria: GeneDx Variant Classification (06012015). Collection method: clinical testing. Allele origin: germline. Affected: yes.
Comment: This variant is considered likely benign or benign based on one or more of the following criteria: it is a conservative change, it occurs at a poorly conserved position in the protein, it is predicted to be benign by multiple in silico algorithms, and/or has population frequency not consistent with disease.

Breakthrough Genomics
Classification: Likely benign. Review status: criteria provided, single submitter. Criteria: ACMG Guidelines, 2015. Collection method: not provided. Allele origin: germline. Inheritance: Autosomal dominant inheritance. Affected: yes.